The following is an entry in ClinVar:

ClinVar aggregate classification (germline): Likely pathogenic. Review status: criteria provided, multiple submitters, no conflicts (2 of 4 stars). 2 submissions from 2 submitters: Likely pathogenic (2). Last evaluated 2025-01-14.

Conditions:
Sitosterolemia 1. Identifiers: MedGen C2749759, MONDO:0020747, OMIM 210250.
ABCG8-related disorder. Also called: ABCG8-related condition.

Allele frequency attached by ClinVar (database versions not stated): TOPMed below 0.00001.

Submissions (2):

PreventionGenetics, part of Exact Sciences
Classification: Likely pathogenic for ABCG8-related condition. Last evaluated: 2025-01-14. Review status: criteria provided, single submitter. Criteria: ACMG Guidelines, 2015. Collection method: clinical testing. Allele origin: germline.
Comment: The ABCG8 c.562-1G>A variant is predicted to disrupt the AG splice acceptor site and interfere with normal splicing. To our knowledge, this variant has not been reported in the literature or in a large population database (gnomAD), indicating this variant is rare. Variants that disrupt the consensus splice acceptor site in ABCG8 are expected to be pathogenic. This variant is interpreted as likely pathogenic.

Genetics and Molecular Pathology, SA Pathology
Classification: Likely pathogenic for Sitosterolemia 1. Last evaluated: 2020-07-24. Review status: criteria provided, single submitter. Criteria: ACMG Guidelines, 2015. Collection method: clinical testing. Allele origin: germline. Inheritance: Autosomal recessive inheritance. Affected: yes.

NM_022437.3(ABCG8):c.562-1G>A

Gene: ABCG8 (ATP binding cassette subfamily G member 8; plus strand). Cytogenetic location: 2p21.
Variant type: single nucleotide variant.
Coding change: c.562-1G>A on transcript NM_022437.3 (MANE Select); the canonical splice acceptor site of the intron before coding-DNA position 562, G replaced by A.
Molecular consequence: splice acceptor variant.
Genome position (GRCh38, 1-based): chr2:43,852,353, G>A. VCF-style: chr2-43852353-G-A. GRCh37 (hg19) VCF-style: chr2-44079492-G-A.
Other names: c.562-1G>A (NM_001357321.2).
Identifiers: ClinVar variation 1698806 (VCV001698806.4), dbSNP rs1317214046, ClinGen allele CA346665875.
Genomic context (GRCh38, chr2:43,852,353, plus strand): 5'-CAATGTGTCCAGCCCTGAAGGAGGCCCCTGAGGTGGCCTCAAAGCTCCTTCTGGCCCACA[G>A]GTGGAGGACGTGATCGCGGAGCTGCGGCTTAGGCAGTGCGCTGACACCCGCGTGGGCAAC-3'